The following is an entry in ClinVar:

ClinVar aggregate classification (germline): Pathogenic (1 of 4 stars; one submission).

Conditions:
Kennedy disease (SMAX1). Also called: SPINAL AND BULBAR MUSCULAR ATROPHY, X-LINKED 1; KENNEDY SPINAL AND BULBAR MUSCULAR ATROPHY; Spinal and Bulbar Muscular Atrophy. Identifiers: Orphanet 481, MedGen C1839259, MONDO:0010735, OMIM 313200.
Androgen resistance syndrome (AIS). Also called: DHTR DEFICIENCY; DIHYDROTESTOSTERONE RECEPTOR DEFICIENCY; ANDROGEN RECEPTOR DEFICIENCY; TESTICULAR FEMINIZATION SYNDROME; Androgen insensitivity syndrome; Androgen insensitivity. Identifiers: Orphanet 754, Orphanet 99429, MedGen C0039585, MONDO:0019154, OMIM 300068. Disease mechanism: loss of function.

Submission:

Labcorp Genetics (formerly Invitae), Labcorp
Classification: Pathogenic for Kennedy disease; Androgen resistance syndrome. Last evaluated: 2022-12-29. Review status: criteria provided, single submitter. Criteria: Invitae Variant Classification Sherloc (09022015). Collection method: clinical testing. Allele origin: germline.
Comment: For these reasons, this variant has been classified as Pathogenic. This variant has not been reported in the literature in individuals affected with AR-related conditions. The frequency data for this variant in the population databases is considered unreliable, as metrics indicate poor data quality at this position in the gnomAD database. This sequence change creates a premature translational stop signal (p.Gln64*) in the AR gene. It is expected to result in an absent or disrupted protein product. Loss-of-function variants in AR are known to be pathogenic (PMID: 19463997).

Literature cited by the submitters: PubMed 19463997.

NM_000044.6(AR):c.190C>T (p.Gln64Ter)

Genes: AR (androgen receptor; plus strand), LOC109504725 (androgen receptor repeat instability region; plus strand). Cytogenetic location: Xq12.
Variant type: single nucleotide variant.
Coding change: c.190C>T on transcript NM_000044.6 (MANE Select); coding-DNA position 190, C replaced by T.
Protein change: p.Gln64Ter; replaces glutamine 64 with a stop codon.
Molecular consequence: nonsense. On other transcripts: 5 prime UTR variant (1).
Genome position (GRCh38, 1-based): chrX:67,545,336, C>T. VCF-style: chrX-67545336-C-T. GRCh37 (hg19) VCF-style: chrX-66765178-C-T.
Other names: c.-1594C>T (NM_001011645.3); c.190C>T, p.Gln64Ter (NM_001348061.1, NM_001348063.1, NM_001348064.1 and 1 more transcripts); short protein forms Q64*.
Identifiers: ClinVar variation 2942759 (VCV002942759.3), dbSNP rs1302894198, ClinGen allele CA413423979.